The following is an entry in ClinVar:

NM_001031689.3(PLAA):c.338A>G (p.Asn113Ser)

Gene: PLAA (phospholipase A2 activating protein; minus strand). Cytogenetic location: 9p21.2.
Variant type: single nucleotide variant.
Coding change: c.338A>G on transcript NM_001031689.3 (MANE Select); coding-DNA position 338, A replaced by G.
Protein change: p.Asn113Ser; replaces asparagine 113 with serine.
Molecular consequence: missense variant.
Genome position (GRCh38, 1-based): chr9:26,935,018, T>C on the plus strand (A>G on the coding strand, the complement: PLAA is on the minus strand). VCF-style: chr9-26935018-T-C. GRCh37 (hg19) VCF-style: chr9-26935016-T-C.
Other names: c.338A>G, p.Asn113Ser (NM_001321546.2); short protein forms N113S.
Identifiers: ClinVar variation 1920699 (VCV001920699.2), dbSNP rs748318565, ClinGen allele CA5014679.
Genomic context (GRCh38, chr9:26,935,018, plus strand): 5'-CTTTCAAAGGGATAAAACTTCAAATAGAAAAACACCAAAGCATTATTATACTCACCAGTA[T>C]TTTTGTGGCCTTTTAGAATATAAAGTGGCATTGGACTGTCCAGTGAGAAAATGCATATAT-3'
Protein context (NP_001026859.1, residues 103-123): MPLYILKGHK[Asn113Ser]TVCSLSSGKF

ClinVar aggregate classification (germline): Uncertain significance (1 of 4 stars; one submission).

Allele frequency attached by ClinVar (database versions not stated): gnomAD exomes 0.00001; ExAC 0.00002.
gnomAD v4.1: 6 of 1,586,222 alleles (0.00038%); highest among the groups gnomAD compares: Admixed American, 0.011%; no homozygotes.

Submission:

Labcorp Genetics (formerly Invitae), Labcorp
Classification: Uncertain significance. Last evaluated: 2022-02-17. Review status: criteria provided, single submitter. Criteria: Invitae Variant Classification Sherloc (09022015). Collection method: clinical testing. Allele origin: germline.
Comment: This sequence change replaces asparagine, which is neutral and polar, with serine, which is neutral and polar, at codon 113 of the PLAA protein (p.Asn113Ser). This variant is present in population databases (rs748318565, gnomAD 0.02%). This variant has not been reported in the literature in individuals affected with PLAA-related conditions. Algorithms developed to predict the effect of missense changes on protein structure and function (SIFT, PolyPhen-2, Align-GVGD) all suggest that this variant is likely to be tolerated. In summary, the available evidence is currently insufficient to determine the role of this variant in disease. Therefore, it has been classified as a Variant of Uncertain Significance.